The following is an entry in ClinVar:

ClinVar aggregate classification (germline): Uncertain significance (1 of 4 stars; one submission).

Conditions:
Hyper-IgE recurrent infection syndrome 3, autosomal recessive. Also called: Autosomal recessive hyper-IgE syndrome due to ZNF341 deficiency; HYPER-IgE SYNDROME 3, AUTOSOMAL RECESSIVE, WITH RECURRENT INFECTIONS. Identifiers: Orphanet 641368, MedGen C4748969, MONDO:0032654, OMIM 618282.

Submission:

Labcorp Genetics (formerly Invitae), Labcorp
Classification: Uncertain significance for Combined immunodeficiency due to DOCK8 deficiency. Last evaluated: 2023-11-27. Review status: criteria provided, single submitter. Criteria: Invitae Variant Classification Sherloc (09022015). Collection method: clinical testing. Allele origin: germline.
Comment: This variant, c.268_270del, results in the deletion of 1 amino acid(s) of the DOCK8 protein (p.Asp90del), but otherwise preserves the integrity of the reading frame. This variant is present in population databases (rs776468911, gnomAD 0.04%). This variant has not been reported in the literature in individuals affected with DOCK8-related conditions. ClinVar contains an entry for this variant (Variation ID: 956767). Experimental studies and prediction algorithms are not available or were not evaluated, and the functional significance of this variant is currently unknown. In summary, the available evidence is currently insufficient to determine the role of this variant in disease. Therefore, it has been classified as a Variant of Uncertain Significance.

NM_203447.4(DOCK8):c.265GAC[1] (p.Asp90del)

Genes: DOCK8 (dedicator of cytokinesis 8; plus strand), LOC126860552 (BRD4-independent group 4 enhancer GRCh37_chr9:285795-286994; plus strand). Cytogenetic location: 9p24.3.
Variant type: Microsatellite.
Coding change: c.265GAC[1] on transcript NM_203447.4 (MANE Select); one copy of the 3-base unit GAC starting at c.265; the reference has two copies in a row; one copy, 3 bases deleted.
Protein change: p.Asp90del; deletes aspartic acid 90.
Molecular consequence: inframe deletion.
Genome position (GRCh38, 1-based): chr9:286,572-286,574, GAC deleted; deleting any 3 consecutive bases within chr9:286,569-286,574 gives the same sequence; the position shown is the placement nearest the transcript's 3' end. VCF-style (leftmost placement, unchanged base first): chr9-286568-TGAC-T. GRCh37 (hg19) VCF-style: chr9-286568-TGAC-T.
Other names: c.61GAC[1], p.Asp22del (NM_001190458.2, NM_001193536.2); short protein forms D22del, D90del.
Identifiers: ClinVar variation 956767 (VCV000956767.8), dbSNP rs776468911, ClinGen allele CA4957145.